The following is an entry in ClinVar:

NM_182914.3(SYNE2):c.8249T>G (p.Leu2750Arg)

Gene: SYNE2 (spectrin repeat containing nuclear envelope protein 2; plus strand). Cytogenetic location: 14q23.2.
Variant type: single nucleotide variant.
Coding change: c.8249T>G on transcript NM_182914.3 (MANE Select); coding-DNA position 8249, T replaced by G.
Protein change: p.Leu2750Arg; replaces leucine 2750 with arginine.
Molecular consequence: missense variant.
Genome position (GRCh38, 1-based): chr14:64,052,162, T>G. VCF-style: chr14-64052162-T-G. GRCh37 (hg19) VCF-style: chr14-64518880-T-G.
Other names: c.8249T>G, p.Leu2750Arg (NM_015180.6); short protein forms L2750R.
Identifiers: ClinVar variation 576405 (VCV000576405.9), dbSNP rs750371615, ClinGen allele CA7221073.
Genomic context (GRCh38, chr14:64,052,162, plus strand): 5'-GTGACATAAGGAACAAGATGAAAGAGACTATCTTATGGGCCAAGAATTTGTTGGGTGAAC[T>G]TAATCCCTCCATTCCCCTTCTCCCAGATGACATTCTTTCACAGATCAGAAAGTGCAAAGT-3'
Protein context (NP_878918.2, residues 2740-2760): ILWAKNLLGE[Leu2750Arg]NPSIPLLPDD

ClinVar aggregate classification (germline): Uncertain significance. Review status: criteria provided, multiple submitters, no conflicts (2 of 4 stars). 2 submissions from 2 submitters: Uncertain significance (2). Last evaluated 2025-01-17.

Conditions:
Emery-Dreifuss muscular dystrophy 5, autosomal dominant (EDMD5). Also called: EMERY-DREIFUSS MUSCULAR DYSTROPHY 5. Identifiers: Orphanet 261, MedGen C2751805, MONDO:0013072, OMIM 612999.

Allele frequency attached by ClinVar (database versions not stated): gnomAD 0.00001; gnomAD exomes 0.00001 and 0.00006; ExAC 0.00004; TOPMed 0.00004.
gnomAD v4.1: 17 of 1,614,036 alleles (0.0011%); highest among the groups gnomAD compares: Admixed American, 0.022%; no homozygotes.

Submissions (2):

Ambry Genetics
Classification: Uncertain significance. Last evaluated: 2025-01-17. Review status: criteria provided, single submitter. Criteria: Ambry Variant Classification Scheme 2023. Collection method: clinical testing. Allele origin: germline.

Labcorp Genetics (formerly Invitae), Labcorp
Classification: Uncertain significance for Emery-Dreifuss muscular dystrophy 5, autosomal dominant. Last evaluated: 2024-02-22. Review status: criteria provided, single submitter. Criteria: Invitae Variant Classification Sherloc (09022015). Collection method: clinical testing. Allele origin: germline.
Comment: This sequence change replaces leucine, which is neutral and non-polar, with arginine, which is basic and polar, at codon 2750 of the SYNE2 protein (p.Leu2750Arg). This variant is present in population databases (rs750371615, gnomAD 0.04%), and has an allele count higher than expected for a pathogenic variant. This variant has not been reported in the literature in individuals affected with SYNE2-related conditions. ClinVar contains an entry for this variant (Variation ID: 576405). An algorithm developed to predict the effect of missense changes on protein structure and function (PolyPhen-2) suggests that this variant is likely to be disruptive. In summary, the available evidence is currently insufficient to determine the role of this variant in disease. Therefore, it has been classified as a Variant of Uncertain Significance.